The following is an entry in ClinVar:

NM_016955.4(SEPSECS):c.114+3A>G

Genes: SEPSECS (Sep (O-phosphoserine) tRNA:Sec (selenocysteine) tRNA synthase; minus strand), LOC129992330 (ATAC-STARR-seq lymphoblastoid silent region 15319; plus strand). Cytogenetic location: 4p15.2.
Variant type: single nucleotide variant.
Coding change: c.114+3A>G on transcript NM_016955.4 (MANE Select); 3 bases into the intron after coding-DNA position 114, A replaced by G.
Molecular consequence: intron variant.
Genome position (GRCh38, 1-based): chr4:25,160,253, T>C on the plus strand (A>G on the coding strand, the complement: SEPSECS is on the minus strand). VCF-style: chr4-25160253-T-C. GRCh37 (hg19) VCF-style: chr4-25161875-T-C.
Identifiers: ClinVar variation 984624 (VCV000984624.40), dbSNP rs748528138, ClinGen allele CA2877565.

ClinVar aggregate classification (germline): Pathogenic/Likely pathogenic. Review status: criteria provided, multiple submitters, no conflicts (2 of 4 stars). 9 submissions from 9 submitters: Pathogenic (3); Likely pathogenic (5). 1 of the submissions does not count toward it. Last evaluated 2026-01-05.

Conditions:
Pontoneocerebellar hypoplasia. Also called: Pontocerebellar hypoplasia; Non-syndromic pontocerebellar hypoplasia. Identifiers: Orphanet 98523, MedGen C1261175, MONDO:0020135.
SEPSECS-related disorder. Also called: SEPSECS-related condition.
Neurodevelopmental abnormality. Identifiers: MedGen C4022737, HP:0012759.
Pontocerebellar hypoplasia type 2D (PCH2D). Also called: Progressive cerebello-cerebral atrophy. Identifiers: Orphanet 247198, Orphanet 2524, MedGen C3151140, MONDO:0013438, OMIM 613811.

Allele frequency attached by ClinVar (database versions not stated): TOPMed 0.00002; gnomAD 0.00004.
gnomAD v4.1: 43 of 1,553,634 alleles (0.0028%); highest among the groups gnomAD compares: Admixed American, 0.015%; no homozygotes.

Submissions (9):

Labcorp Genetics (formerly Invitae), Labcorp
Classification: Pathogenic. Last evaluated: 2026-01-05. Review status: criteria provided, single submitter. Criteria: Invitae Variant Classification Sherloc (09022015). Collection method: clinical testing. Allele origin: germline.
Comment: This sequence change falls in intron 1 of the SEPSECS gene. It does not directly change the encoded amino acid sequence of the SEPSECS protein. It affects a nucleotide within the consensus splice site. This variant is present in population databases (rs748528138, gnomAD 0.02%). This variant has been observed in individuals with SEPSECS-related conditions (PMID: 34234304, 35012964; internal data). ClinVar contains an entry for this variant (Variation ID: 984624). Variants that disrupt the consensus splice site are a relatively common cause of aberrant splicing (PMID: 17576681, 9536098). Algorithms developed to predict the effect of sequence changes on RNA splicing suggest that this variant may disrupt the consensus splice site. For these reasons, this variant has been classified as Pathogenic.

Natera, Inc.
Classification: Likely pathogenic for Pontocerebellar hypoplasia type 2d. Last evaluated: 2025-08-26. Review status: criteria provided, single submitter. Criteria: Natera Variant Classification Schema (03/2026). Collection method: clinical testing. Allele origin: germline.
Comment: The c.114+3A>G variant in SEPSECS is an intronic variant located outside the canonical splice sites. This variant is rare in the general population with a frequency below the threshold expected for the associated phenotype(s). This variant has been observed in one or more individuals affected with the associated recessive disease, as either homozygous or compound heterozygous with a second variant (PMID: 31748115, 35012964, 34234304). Functional studies show that this variant may disrupt protein function (PMID: 35012964). Computational prediction algorithms indicate this variant is likely to affect gene or protein function. Given the available evidence, this variant is classified as Likely Pathogenic.

Medical Genetics Laboratory, University of Catania
Classification: Likely pathogenic for Pontocerebellar hypoplasia type 2D. Last evaluated: 2024-06-18. Review status: criteria provided, single submitter. Criteria: ACMG Guidelines, 2015. Collection method: clinical testing. Allele origin: paternal. Inheritance: Autosomal recessive inheritance. Affected: yes. Observed: 1 compound heterozygote.

Fulgent Genetics
Classification: Likely pathogenic for Pontocerebellar hypoplasia type 2D. Last evaluated: 2024-04-03. Review status: criteria provided, single submitter. Criteria: ACMG Guidelines, 2015. Collection method: clinical testing. Allele origin: germline.

Blueprint Genetics
Classification: Pathogenic for SEPSECS-related disorders. Last evaluated: 2023-12-29. Review status: criteria provided, single submitter. Criteria: ACMG Guidelines, 2015. Collection method: clinical testing. Allele origin: germline. Affected: yes. Observed: 5 variant alleles.

Women's Health and Genetics/Laboratory Corporation of America, LabCorp
Classification: Likely pathogenic for Pontoneocerebellar hypoplasia. Last evaluated: 2023-07-25. Review status: criteria provided, single submitter. Criteria: LabCorp Variant Classification Summary - May 2015. Collection method: clinical testing. Allele origin: germline.
Comment: Variant summary: SEPSECS c.114+3A>G alters a conserved nucleotide located close to a canonical splice site and therefore could affect mRNA splicing, leading to a significantly altered protein sequence. Several computational tools predict a significant impact on normal splicing: Two predict the variant abolishes a 5 splicing donor site. Two predict the variant weakens a 5' donor site. In addition, at least one minigene splicing assay revealed this variant results in skipping of exon 1 (Schlter_2022). However, one splicing assay reported cDNA sample from blood cells does not observe alteration in the splicing (Arrudi-Moreno_2021). The variant allele was found at a frequency of 4.6e-05 in 151924 control chromosomes (gnomAD). c.114+3A>G has been reported in the literature in compound heterozygous and homozygous individuals affected with Pontocerebellar Hypoplasia, Type 2D, inherited ataxia or genetic white matter disorders (Benkirane_2021, Arrudi-Moreno_2021, Schlter_2022). These data indicate that the variant is likely to be associated with disease. To our knowledge, no experimental evidence demonstrating an impact on protein function has been reported. Two submitters have cited clinical-significance assessments for this variant to ClinVar after 2014. All submitters classified the variant as uncertain significance. The following publications have been ascertained in the context of this evaluation (PMID: 34234304, 32555262, 35155316, 35012964, 36085396, 31748115). Based on the evidence outlined above, the variant was classified as likely pathogenic.

Neurometabolic Diseases Laboratory, Bellvitge Biomedical Research Institute (IDIBELL)
Classification: Pathogenic for Pontocerebellar hypoplasia type 2D. Last evaluated: 2023-04-27. Review status: criteria provided, single submitter. Criteria: ACMG Guidelines, 2015. Collection method: research. Allele origin: germline. Affected: yes. Observed: 2 variant alleles.

Laboratoire de Génétique Moléculaire, CHU Bordeaux
Classification: Likely pathogenic. Review status: criteria provided, single submitter. Criteria: ACMG Guidelines, 2015. Collection method: clinical testing. Allele origin: germline. Affected: yes.

Department of Genetics, Rouen University Hospital, Normandy Center for Genomic and Personalized Medicine
Classification: Uncertain significance for Neurodevelopmental abnormality. Last evaluated: 2020-08-14. Review status: no assertion criteria provided. Collection method: clinical testing. Allele origin: inherited. Affected: yes. Not counted in ClinVar's aggregate classification.

Literature cited by the submitters: PubMed 34234304 (cited by 3 submitters); PubMed 35012964 (cited by 3 submitters); PubMed 17576681 (cited by Labcorp Genetics (formerly Invitae), Labcorp); PubMed 9536098 (cited by Labcorp Genetics (formerly Invitae), Labcorp); PubMed 31748115 (cited by Natera, Inc. and Women's Health and Genetics/Laboratory Corporation of America, LabCorp); DOI 10.3389/fped.2021.805575 (cited by Medical Genetics Laboratory, University of Catania); PubMed 32555262 (cited by Women's Health and Genetics/Laboratory Corporation of America, LabCorp); PubMed 35155316 (cited by Women's Health and Genetics/Laboratory Corporation of America, LabCorp); PubMed 36085396 (cited by Women's Health and Genetics/Laboratory Corporation of America, LabCorp).